The following is an entry in ClinVar:

ClinVar aggregate classification (germline): Uncertain significance (1 of 4 stars; one submission).

Submission:

Labcorp Genetics (formerly Invitae), Labcorp
Classification: Uncertain significance. Last evaluated: 2022-03-04. Review status: criteria provided, single submitter. Criteria: Invitae Variant Classification Sherloc (09022015). Collection method: clinical testing. Allele origin: germline.
Comment: This sequence change replaces proline, which is neutral and non-polar, with serine, which is neutral and polar, at codon 311 of the FOXP1 protein (p.Pro311Ser). This variant is not present in population databases (gnomAD no frequency). This variant has not been reported in the literature in individuals affected with FOXP1-related conditions. Algorithms developed to predict the effect of missense changes on protein structure and function (SIFT, PolyPhen-2, Align-GVGD) all suggest that this variant is likely to be disruptive. In summary, the available evidence is currently insufficient to determine the role of this variant in disease. Therefore, it has been classified as a Variant of Uncertain Significance.

NM_001349338.3(FOXP1):c.931C>T (p.Pro311Ser)

Gene: FOXP1 (forkhead box P1; minus strand). Cytogenetic location: 3p13.
Variant type: single nucleotide variant.
Coding change: c.931C>T on transcript NM_001349338.3 (MANE Select); coding-DNA position 931, C replaced by T.
Protein change: p.Pro311Ser; replaces proline 311 with serine.
Molecular consequence: missense variant. On other transcripts: non-coding transcript variant (2).
Genome position (GRCh38, 1-based): chr3:71,015,592, G>A on the plus strand (C>T on the coding strand, the complement: FOXP1 is on the minus strand). VCF-style: chr3-71015592-G-A. GRCh37 (hg19) VCF-style: chr3-71064743-G-A.
Other names: c.931C>T, p.Pro311Ser (NM_001244808.3, NM_001244810.2, NM_001244814.3 and 4 more transcripts); c.703C>T, p.Pro235Ser (NM_001244812.3); c.631C>T, p.Pro211Ser (NM_001244813.3, NM_001244815.2, NM_001349342.3 and 1 more transcripts); c.628C>T, p.Pro210Ser (NM_001349337.2, NM_001349343.3, NM_001349344.3); c.928C>T, p.Pro310Ser (NM_001349341.3); short protein forms P211S, P210S, P310S, P311S, P235S.
Identifiers: ClinVar variation 2106388 (VCV002106388.4), dbSNP rs2107739818, ClinGen allele CA353562317.